The following is an entry in ClinVar:

ClinVar aggregate classification (germline): Uncertain significance (1 of 4 stars; one submission).

Conditions:
Diamond-Blackfan anemia 5 (DBA5). Also called: RPL35A-Related Diamond-Blackfan Anemia. Identifiers: Orphanet 124, MedGen C2675859, MONDO:0012925, OMIM 612528.

Submission:

Labcorp Genetics (formerly Invitae), Labcorp
Classification: Uncertain significance for Diamond-Blackfan anemia 5. Last evaluated: 2021-08-05. Review status: criteria provided, single submitter. Criteria: Invitae Variant Classification Sherloc (09022015). Collection method: clinical testing. Allele origin: germline.
Comment: This sequence change replaces alanine with valine at codon 26 of the RPL35A protein (p.Ala26Val). The alanine residue is highly conserved and there is a small physicochemical difference between alanine and valine. This variant is not present in population databases (ExAC no frequency). This variant has not been reported in the literature in individuals affected with RPL35A-related conditions. Algorithms developed to predict the effect of missense changes on protein structure and function are either unavailable or do not agree on the potential impact of this missense change (SIFT: "Deleterious"; PolyPhen-2: "Benign"; Align-GVGD: "Class C0"). In summary, the available evidence is currently insufficient to determine the role of this variant in disease. Therefore, it has been classified as a Variant of Uncertain Significance.

NM_000996.4(RPL35A):c.77C>T (p.Ala26Val)

Genes: DRC9 (dynein regulatory complex subunit 9; minus strand), RPL35A (ribosomal protein L35a; plus strand). Cytogenetic location: 3q29.
Variant type: single nucleotide variant.
Coding change: c.77C>T on transcript NM_000996.4 (MANE Select); coding-DNA position 77, C replaced by T.
Protein change: p.Ala26Val; replaces alanine 26 with valine.
Molecular consequence: missense variant. On other transcripts: intron variant (3).
Genome position (GRCh38, 1-based): chr3:197,951,224, C>T. VCF-style: chr3-197951224-C-T. GRCh37 (hg19) VCF-style: chr3-197678095-C-T.
Other names: c.77C>T, p.Ala26Val (NM_001316311.2); c.-49-7173G>A (NM_001323028.2); c.-59-5538G>A (NM_032263.5); c.-374-5538G>A (NM_001323029.2); short protein forms A26V.
Identifiers: ClinVar variation 1480694 (VCV001480694.6), dbSNP rs2109804811, ClinGen allele CA355902650.
Genomic context (GRCh38, chr3:197,951,224, plus strand): 5'-GGTCCAAGGCCATTTTTGCTGGCTATAAGCGGGGTCTCCGGAACCAAAGGGAGCACACAG[C>T]TCTTCTTAAAATTGAAGGTGTTTACGCCCGAGATGAAACAGAATTCTATTTGGGCAAGAG-3'
Protein context (NP_000987.2, residues 16-36): RGLRNQREHT[Ala26Val]LLKIEGVYAR